The following is an entry in ClinVar:

ClinVar aggregate classification (germline): Uncertain significance. Review status: criteria provided, multiple submitters, no conflicts (2 of 4 stars). 4 submissions from 4 submitters: Uncertain significance (4). Last evaluated 2025-11-11.

Conditions:
Familial adenomatous polyposis 1 (FAP1). Also called: POLYPOSIS, ADENOMATOUS INTESTINAL; FAMILIAL ADENOMATOUS POLYPOSIS 1, ATTENUATED. Identifiers: MedGen C2713442, MONDO:0021056, OMIM 175100. Disease mechanism: loss of function.
Hereditary cancer-predisposing syndrome. Also called: Tumor predisposition; Hereditary Cancer Syndrome; Neoplastic Syndromes, Hereditary; Hereditary neoplastic syndrome. Identifiers: Orphanet 140162, MedGen C0027672, MeSH D009386, MONDO:0015356.

Submissions (4):

Labcorp Genetics (formerly Invitae), Labcorp
Classification: Uncertain significance for Familial adenomatous polyposis 1. Last evaluated: 2025-11-11. Review status: criteria provided, single submitter. Criteria: Invitae Variant Classification Sherloc (09022015). Collection method: clinical testing. Allele origin: germline.
Comment: This sequence change replaces aspartic acid, which is acidic and polar, with asparagine, which is neutral and polar, at codon 1860 of the APC protein (p.Asp1860Asn). This variant is not present in population databases (gnomAD no frequency). This variant has not been reported in the literature in individuals affected with APC-related conditions. ClinVar contains an entry for this variant (Variation ID: 1332457). Invitae Evidence Modeling of protein sequence and biophysical properties (such as structural, functional, and spatial information, amino acid conservation, physicochemical variation, residue mobility, and thermodynamic stability) indicates that this missense variant is not expected to disrupt APC protein function with a negative predictive value of 95%. In summary, the available evidence is currently insufficient to determine the role of this variant in disease. Therefore, it has been classified as a Variant of Uncertain Significance.

Ambry Genetics
Classification: Uncertain significance for Hereditary cancer-predisposing syndrome. Last evaluated: 2025-10-23. Review status: criteria provided, single submitter. Criteria: Ambry Variant Classification Scheme 2023. Collection method: clinical testing. Allele origin: germline.
Comment: The p.D1860N variant (also known as c.5578G>A), located in coding exon 15 of the APC gene, results from a G to A substitution at nucleotide position 5578. The aspartic acid at codon 1860 is replaced by asparagine, an amino acid with highly similar properties. This amino acid position is conserved. In addition, in silico predictors for this gene do not accurately predict pathogenicity. Missense variants in APC are not a common cause of disease (Spier I et al. Genet Med. 2024 Feb;26(2):100992). Based on the available evidence, the clinical significance of this variant remains unclear.

Color Diagnostics, LLC DBA Color Health
Classification: Uncertain significance for Hereditary cancer-predisposing syndrome. Last evaluated: 2024-03-07. Review status: criteria provided, single submitter. Criteria: ACMG Guidelines, 2015. Collection method: clinical testing. Allele origin: germline.
Comment: This missense variant replaces aspartic acid with asparagine at codon 1860 of the APC protein. Computational prediction suggests that this variant may not impact protein structure and function (internally defined REVEL score threshold <= 0.5, PMID: 27666373). To our knowledge, functional studies have not been reported for this variant. This variant has not been reported in individuals affected with hereditary cancer in the literature. This variant has not been identified in the general population by the Genome Aggregation Database (gnomAD). The available evidence is insufficient to determine the role of this variant in disease conclusively. Therefore, this variant is classified as a Variant of Uncertain Significance.

Baylor Genetics
Classification: Uncertain significance for Familial adenomatous polyposis 1. Last evaluated: 2023-10-18. Review status: criteria provided, single submitter. Criteria: ACMG Guidelines, 2015. Collection method: clinical testing. Allele origin: unknown.

NM_000038.6(APC):c.5578G>A (p.Asp1860Asn)

Gene: APC (APC regulator of Wnt signaling pathway; plus strand). Cytogenetic location: 5q22.2.
Variant type: single nucleotide variant.
Coding change: c.5578G>A on transcript NM_000038.6 (MANE Select); coding-DNA position 5578, G replaced by A.
Protein change: p.Asp1860Asn; replaces aspartic acid 1860 with asparagine.
Molecular consequence: missense variant.
Genome position (GRCh38, 1-based): chr5:112,841,172, G>A. VCF-style: chr5-112841172-G-A. GRCh37 (hg19) VCF-style: chr5-112176869-G-A.
Other names: c.5578G>A, p.Asp1860Asn (NM_001127510.3, NM_001354895.2); c.5524G>A, p.Asp1842Asn (NM_001127511.3); c.5632G>A, p.Asp1878Asn (NM_001354896.2); c.5608G>A, p.Asp1870Asn (NM_001354897.2); c.5503G>A, p.Asp1835Asn (NM_001354898.2); c.5494G>A, p.Asp1832Asn (NM_001354899.2); c.5455G>A, p.Asp1819Asn (NM_001354900.2); c.5401G>A, p.Asp1801Asn (NM_001354901.2); and 5 more; short protein forms D1577N, D1700N, D1734N, D1759N, D1769N, D1801N, D1819N, D1832N.
Identifiers: ClinVar variation 1332457 (VCV001332457.15), dbSNP rs2149943729, ClinGen allele CA16033535.